The following is an entry in ClinVar:

NM_015884.4(MBTPS2):c.17TGG[5] (p.Val11del)

Gene: MBTPS2 (membrane bound transcription factor peptidase, site 2; plus strand). Cytogenetic location: Xp22.12.
Variant type: Microsatellite.
Coding change: c.17TGG[5] on transcript NM_015884.4 (MANE Select); five copies in a row of the 3-base unit TGG starting at c.17; the reference has six copies in a row; one copy, 3 bases deleted.
Protein change: p.Val11del; deletes valine 11.
Molecular consequence: inframe deletion.
Genome position (GRCh38, 1-based): chrX:21,839,766-21,839,768, TGG deleted; deleting any 3 consecutive bases within chrX:21,839,751-21,839,768 gives the same sequence; the position shown is the placement nearest the transcript's 3' end. VCF-style (leftmost placement, unchanged base first): chrX-21839750-CTGG-C. GRCh37 (hg19) VCF-style: chrX-21857868-CTGG-C.
Other names: short protein forms V11del.
Identifiers: ClinVar variation 4707667 (VCV004707667.1).

ClinVar aggregate classification (germline): Uncertain significance (1 of 4 stars; one submission).

Submission:

Labcorp Genetics (formerly Invitae), Labcorp
Classification: Uncertain significance. Last evaluated: 2025-03-27. Review status: criteria provided, single submitter. Criteria: Invitae Variant Classification Sherloc (09022015). Collection method: clinical testing. Allele origin: germline.
Comment: This variant, c.32_34del, results in the deletion of 1 amino acid(s) of the MBTPS2 protein (p.Val11del), but otherwise preserves the integrity of the reading frame. The frequency data for this variant in the population databases is considered unreliable, as metrics indicate poor data quality at this position in the gnomAD database. This variant has been observed in individual(s) with clinical features of MBTPS2-related conditions (PMID: 33057194, 35982159). Experimental studies and prediction algorithms are not available or were not evaluated, and the functional significance of this variant is currently unknown. In summary, the available evidence is currently insufficient to determine the role of this variant in disease. Therefore, it has been classified as a Variant of Uncertain Significance.

Literature cited by the submitters: PubMed 33057194; PubMed 35982159.